The following is an entry in ClinVar:

NM_000342.4(SLC4A1):c.286C>G (p.Arg96Gly)

Gene: SLC4A1 (solute carrier family 4 member 1 (Diego blood group); minus strand). Cytogenetic location: 17q21.31.
Variant type: single nucleotide variant.
Coding change: c.286C>G on transcript NM_000342.4 (MANE Select); coding-DNA position 286, C replaced by G.
Protein change: p.Arg96Gly; replaces arginine 96 with glycine.
Molecular consequence: missense variant.
Genome position (GRCh38, 1-based): chr17:44,260,698, G>C on the plus strand (C>G on the coding strand, the complement: SLC4A1 is on the minus strand). VCF-style: chr17-44260698-G-C. GRCh37 (hg19) VCF-style: chr17-42338066-G-C.
Other names: p.Arg96Gly; short protein forms R96G.
Identifiers: ClinVar variation 4542177 (VCV004542177.1).

ClinVar aggregate classification (germline): Uncertain significance (1 of 4 stars; one submission).

Submission:

Mayo Clinic Laboratories, Mayo Clinic
Classification: Uncertain significance. Last evaluated: 2025-06-24. Review status: criteria provided, single submitter. Criteria: ACMG Guidelines, 2015. Collection method: clinical testing. Allele origin: germline. Observed: 1 variant allele.
Comment: PM2_supporting